The following is an entry in ClinVar:

NM_006218.4(PIK3CA):c.178C>A (p.Gln60Lys)

Gene: PIK3CA (phosphatidylinositol-4,5-bisphosphate 3-kinase catalytic subunit alpha; plus strand). Cytogenetic location: 3q26.32.
Variant type: single nucleotide variant.
Coding change: c.178C>A on transcript NM_006218.4 (MANE Select); coding-DNA position 178, C replaced by A.
Protein change: p.Gln60Lys; replaces glutamine 60 with lysine.
Molecular consequence: missense variant.
Genome position (GRCh38, 1-based): chr3:179,199,003, C>A. VCF-style: chr3-179199003-C-A. GRCh37 (hg19) VCF-style: chr3-178916791-C-A.
Other names: c.178C>A (LRG_310t1); short protein forms Q60K.
Identifiers: ClinVar variation 526635 (VCV000526635.53), dbSNP rs71310379, ClinGen allele CA2710504.
Genomic context (GRCh38, chr3:179,199,003, plus strand): 5'-GCTACATTAATAACCATAAAGCATGAACTATTTAAAGAAGCAAGAAAATACCCCCTCCAT[C>A]AACTTCTTCAAGATGAATCTTCTTACATTTTCGTAAGTGTTACTCAAGAAGCAGAAAGGG-3'
Protein context (NP_006209.2, residues 50-70): FKEARKYPLH[Gln60Lys]LLQDESSYIF

ClinVar aggregate classification (germline): Conflicting classifications of pathogenicity. Review status: criteria provided, conflicting classifications (1 of 4 stars). 3 submissions from 3 submitters: Uncertain significance (2); Likely benign (1). Last evaluated 2022-05-15.

Conditions:
Cowden syndrome (CS). Also called: Cowden's disease; Cowden's syndrome; Cowden disease. Identifiers: Orphanet 201, MedGen C0018553, MONDO:0016063. Disease mechanism: gain of function.

Allele frequency attached by ClinVar (database versions not stated): gnomAD 0.00003 and 0.00004; ExAC 0.00004; gnomAD exomes 0.00004 and 0.00007; TOPMed 0.00004; 1000 Genomes Project 30x 0.00016; ESP Exome Variant Server 0.00017; 1000 Genomes Project 0.00020.
gnomAD v4.1: 111 of 1,613,232 alleles (0.0069%); highest among the groups gnomAD compares: Non-Finnish European, 0.0088%; no homozygotes.

Submissions (3):

Labcorp Genetics (formerly Invitae), Labcorp
Classification: Uncertain significance for Cowden syndrome. Last evaluated: 2022-05-15. Review status: criteria provided, single submitter. Criteria: Invitae Variant Classification Sherloc (09022015). Collection method: clinical testing. Allele origin: germline.
Comment: This sequence change replaces glutamine, which is neutral and polar, with lysine, which is basic and polar, at codon 60 of the PIK3CA protein (p.Gln60Lys). This variant is present in population databases (rs71310379, gnomAD 0.008%). This variant has not been reported in the literature in individuals affected with PIK3CA-related conditions. ClinVar contains an entry for this variant (Variation ID: 526635). Advanced modeling of protein sequence and biophysical properties (such as structural, functional, and spatial information, amino acid conservation, physicochemical variation, residue mobility, and thermodynamic stability) performed at Invitae indicates that this missense variant is not expected to disrupt PIK3CA protein function. Experimental studies have shown that this missense change does not substantially affect PIK3CA function (PMID: 18074223). In summary, the available evidence is currently insufficient to determine the role of this variant in disease. Therefore, it has been classified as a Variant of Uncertain Significance.

GeneDx
Classification: Likely benign. Last evaluated: 2019-11-19. Review status: criteria provided, single submitter. Criteria: GeneDx Variant Classification Process June 2021. Collection method: clinical testing. Allele origin: germline. Affected: yes.
Comment: In silico analysis, which includes protein predictors and evolutionary conservation, supports that this variant does not alter protein structure/function; This variant is associated with the following publications: (PMID: 18074223)

CeGaT Center for Human Genetics Tuebingen
Classification: Uncertain significance. Last evaluated: 2018-03-01. Review status: criteria provided, single submitter. Criteria: CeGaT Center For Human Genetics Tuebingen Variant Classification Criteria Version 2. Collection method: clinical testing. Allele origin: germline. Affected: yes. Observed: 1 variant allele.

Literature cited by the submitters: PubMed 18074223 (cited by Labcorp Genetics (formerly Invitae), Labcorp).